The following is an entry in ClinVar:

NM_002439.5(MSH3):c.3212A>G (p.Asn1071Ser)

Gene: MSH3 (mutS homolog 3; plus strand). Cytogenetic location: 5q14.1.
Variant type: single nucleotide variant.
Coding change: c.3212A>G on transcript NM_002439.5 (MANE Select); coding-DNA position 3212, A replaced by G.
Protein change: p.Asn1071Ser; replaces asparagine 1071 with serine.
Molecular consequence: missense variant.
Genome position (GRCh38, 1-based): chr5:80,873,197, A>G. VCF-style: chr5-80873197-A-G. GRCh37 (hg19) VCF-style: chr5-80169016-A-G.
Other names: short protein forms N1071S.
Identifiers: ClinVar variation 2131595 (VCV002131595.4), dbSNP rs2478805070, ClinGen allele CA360346951.

ClinVar aggregate classification (germline): Uncertain significance (1 of 4 stars; one submission).

Submission:

Labcorp Genetics (formerly Invitae), Labcorp
Classification: Uncertain significance. Last evaluated: 2022-05-17. Review status: criteria provided, single submitter. Criteria: Invitae Variant Classification Sherloc (09022015). Collection method: clinical testing. Allele origin: germline.
Comment: This sequence change replaces asparagine, which is neutral and polar, with serine, which is neutral and polar, at codon 1071 of the MSH3 protein (p.Asn1071Ser). In summary, the available evidence is currently insufficient to determine the role of this variant in disease. Therefore, it has been classified as a Variant of Uncertain Significance. Algorithms developed to predict the effect of missense changes on protein structure and function are either unavailable or do not agree on the potential impact of this missense change (SIFT: "Deleterious"; PolyPhen-2: "Probably Damaging"; Align-GVGD: "Class C0"). This variant has not been reported in the literature in individuals affected with MSH3-related conditions. This variant is not present in population databases (gnomAD no frequency).